The following is an entry in ClinVar:

ClinVar aggregate classification (germline): Likely pathogenic (1 of 4 stars; one submission).

Conditions:
Leber congenital amaurosis (LCA). Also called: Leber's amaurosis. Identifiers: Orphanet 65, MedGen C0339527, MeSH D057130, MONDO:0018998.

Submission:

Natera, Inc.
Classification: Likely pathogenic for Leber congenital amaurosis. Last evaluated: 2025-05-04. Review status: criteria provided, single submitter. Criteria: Natera Variant Classification Schema (03/2026). Collection method: clinical testing. Allele origin: germline.
Comment: The c.3218dupC variant in CEP290 is a frameshift variant predicted to shift the reading frame and introduce a stop codon. This variant is expected to result in nonsense mediated decay, truncation, or a dysfunctional protein product. This variant is rare in the general population with a frequency below the threshold expected for the associated phenotype(s). Given the available evidence, this variant is classified as Likely Pathogenic.

NM_025114.4(CEP290):c.3218dup (p.Ala1073_Glu1074insTer)

Gene: CEP290 (centrosomal protein 290; minus strand). Cytogenetic location: 12q21.32.
Variant type: Duplication.
Coding change: c.3218dup on transcript NM_025114.4 (MANE Select); coding-DNA position 3218, one base duplicated (C; older notation c.3218dupC).
Protein change: p.Ala1073_Glu1074insTer.
Molecular consequence: frameshift variant.
Genome position (GRCh38, 1-based): chr12:88,093,861, G duplicated on the plus strand (C on the coding strand, the reverse complement: CEP290 is on the minus strand). VCF-style (leftmost placement, unchanged base first): chr12-88093860-A-AG. GRCh37 (hg19) VCF-style: chr12-88487637-A-AG.
Identifiers: ClinVar variation 4816207 (VCV004816207.1).
Genomic context (GRCh38, chr12:88,093,860, plus strand): 5'-ACGTTCCTCCATTTGCTTTAACGAAGTCCGTAAGTGTTCATACATTTTTTGACAATGTTC[A>AG]GCCCGCTGCCTTTCATTTAATTCCTTCATTTCCAGCATAGTTATTTTTTTTGAAATGGAA-3'